The following is an entry in ClinVar:

ClinVar aggregate classification (germline): Benign/Likely benign. Review status: criteria provided, multiple submitters, no conflicts (2 of 4 stars). 5 submissions from 5 submitters: Benign (1); Likely benign (4). Last evaluated 2025-10-28.

Conditions:
Hereditary cancer-predisposing syndrome. Also called: Hereditary neoplastic syndrome; Neoplastic Syndromes, Hereditary; Tumor predisposition; Hereditary Cancer Syndrome. Identifiers: Orphanet 140162, MedGen C0027672, MeSH D009386, MONDO:0015356.
Tuberous sclerosis syndrome (TSC). Also called: Tuberous Sclerosis Complex; Tuberous sclerosis. Identifiers: Orphanet 805, MedGen C0041341, MONDO:0001734.
Tuberous sclerosis 1 (TSC1). Identifiers: Orphanet 805, MedGen C1854465, MONDO:0008612, OMIM 191100.

Submissions (5):

Labcorp Genetics (formerly Invitae), Labcorp
Classification: Likely benign for Tuberous sclerosis 1. Last evaluated: 2025-10-28. Review status: criteria provided, single submitter. Criteria: Invitae Variant Classification Sherloc (09022015). Collection method: clinical testing. Allele origin: germline.

Myriad Genetics, Inc.
Classification: Benign for Tuberous sclerosis 1. Last evaluated: 2025-04-25. Review status: criteria provided, single submitter. Criteria: Myriad Autosomal Dominant, Autosomal Recessive and X-Linked Classification Criteria (2023). Collection method: clinical testing. Allele origin: unknown.
Comment: This variant is considered benign. This variant is a silent/synonymous amino acid change and it is not expected to impact splicing.

Ambry Genetics
Classification: Likely benign for Hereditary cancer-predisposing syndrome. Last evaluated: 2024-08-30. Review status: criteria provided, single submitter. Criteria: Ambry Variant Classification Scheme 2023. Collection method: clinical testing. Allele origin: germline.

All of Us Research Program, National Institutes of Health
Classification: Likely benign for Tuberous sclerosis syndrome. Last evaluated: 2023-05-30. Review status: criteria provided, single submitter. Criteria: ACMG Guidelines, 2015. Collection method: clinical testing. Allele origin: germline. Inheritance: Autosomal dominant inheritance. Observed: 1 variant allele, 1 heterozygote.
Comment: This study involves interpretation of variants in research participants for the purpose of population health screening. Participant phenotype was not available at the time of variant classification. Additional details can be found in publication PMID: 35346344, PMCID: PMC8962531

Color Diagnostics, LLC DBA Color Health
Classification: Likely benign for Tuberous sclerosis syndrome. Last evaluated: 2022-11-06. Review status: criteria provided, single submitter. Criteria: ACMG Guidelines, 2015. Collection method: clinical testing. Allele origin: germline.

NM_000368.5(TSC1):c.2478G>A (p.Leu826=)

Gene: TSC1 (TSC complex subunit 1; minus strand). Cytogenetic location: 9q34.13.
Variant type: single nucleotide variant.
Coding change: c.2478G>A on transcript NM_000368.5 (MANE Select); coding-DNA position 2478, G replaced by A.
Protein change: p.Leu826=; no amino-acid change (leucine 826 retained).
Molecular consequence: synonymous variant.
Genome position (GRCh38, 1-based): chr9:132,901,613, C>T on the plus strand (G>A on the coding strand, the complement: TSC1 is on the minus strand). VCF-style: chr9-132901613-C-T. GRCh37 (hg19) VCF-style: chr9-135777000-C-T.
Other names: c.2475G>A, p.Leu825= (NM_001162426.2); c.2325G>A, p.Leu775= (NM_001162427.2); c.2115G>A, p.Leu705= (NM_001362177.2).
Identifiers: ClinVar variation 729836 (VCV000729836.14), dbSNP rs149719514, ClinGen allele CA032777.